The following is an entry in ClinVar:

ClinVar aggregate classification (germline): Uncertain significance (1 of 4 stars; one submission).

Conditions:
Inborn genetic diseases. Identifiers: MedGen C0950123, MeSH D030342.

Submission:

Ambry Genetics
Classification: Uncertain significance for Inborn genetic diseases. Last evaluated: 2024-02-29. Review status: criteria provided, single submitter. Criteria: Ambry Variant Classification Scheme 2023. Collection method: clinical testing. Allele origin: germline.
Comment: The c.8074_8075insAA (p.S2692Kfs*54) alteration, located in exon 13 (coding exon 12) of the SRRM2 gene, consists of an insertion of AA at position 8074, causing a translational frameshift with a predicted alternate stop codon after 54 amino acids. This alteration occurs at the 3' terminus of the SRRM2 gene, is not expected to trigger nonsense-mediated mRNA decay, and only impacts the last 2.2% of the protein. The exact functional effect of this alteration is unknown. This variant was not reported in population-based cohorts in the Genome Aggregation Database (gnomAD). Based on insufficient or conflicting evidence, the clinical significance of this alteration remains unclear.

NM_016333.4(SRRM2):c.8074_8075insAA (p.Ser2692fs)

Gene: SRRM2 (serine/arginine repetitive matrix 2; plus strand). Cytogenetic location: 16p13.3.
Variant type: Insertion.
Coding change: c.8074_8075insAA on transcript NM_016333.4 (MANE Select); coding-DNA positions 8074 to 8075, AA inserted.
Protein change: p.Ser2692fs; shifts the reading frame from serine 2692.
Molecular consequence: frameshift variant.
Genome position: GRCh38 VCF-style: chr16-2770403-C-CAA. GRCh37 (hg19) VCF-style: chr16-2820404-C-CAA.
Other names: short protein forms S2692fs.
Identifiers: ClinVar variation 3170193 (VCV003170193.1), dbSNP rs2505622183, ClinGen allele CA2825002415.
Genomic context (GRCh38, chr16:2,770,403, plus strand): 5'-GTTCCCCAGGTCCCGCAGCCCCCGGAAGCCAATAGACTCCCTCAGGGACTCTCGGTCCCT[C>CAA]AGCTACTCGCCTGTGGAGCGTCGCCGTCCCTCGCCCCAGCCCTCACCACGGGACCAGCAG-3'